The following is an entry in ClinVar:

ClinVar aggregate classification (germline): Likely pathogenic (1 of 4 stars; one submission).

Conditions:
Alport syndrome. Also called: Hemorrhagic familial nephritis; Hemorrhagic hereditary nephritis; Congenital hereditary hematuria. Identifiers: Orphanet 63, MedGen C1567741, MONDO:0018965.

Submission:

Natera, Inc.
Classification: Likely pathogenic for Alport syndrome. Last evaluated: 2025-10-16. Review status: criteria provided, single submitter. Criteria: Natera Variant Classification Schema (03/2026). Collection method: clinical testing. Allele origin: germline.
Comment: The c.1865_1866delinsTA variant in COL4A4 is a deletion-insertion (delins) variant predicted to replace one or more nucleotides with a different sequence. This variant is rare in the general population with a frequency below the threshold expected for the associated phenotype(s). This variant is located in a functionally critical region of the protein. Computational prediction algorithms indicate this variant is likely to affect gene or protein function. Given the available evidence, this variant is classified as Likely Pathogenic.

NM_000092.5(COL4A4):c.1865_1866delinsTA (p.Gly622Val)

Gene: COL4A4 (collagen type IV alpha 4 chain; minus strand). Cytogenetic location: 2q36.3.
Variant type: Indel.
Coding change: c.1865_1866delinsTA on transcript NM_000092.5 (MANE Select); coding-DNA positions 1865 to 1866, GC replaced by TA.
Protein change: p.Gly622Val; replaces glycine 622 with valine.
Molecular consequence: missense variant.
Genome position (GRCh38, 1-based): chr2:227,078,015-227,078,016, GC replaced by TA on the plus strand (GC replaced by TA on the coding strand, the reverse complement: COL4A4 is on the minus strand). VCF-style: chr2-227078015-GC-TA. GRCh37 (hg19) VCF-style: chr2-227942731-GC-TA.
Other names: c.1865_1866delGCinsTA, p.Gly622Val (NM_000092.4); short protein forms G622V.
Identifiers: ClinVar variation 4817300 (VCV004817300.1).